The following is an entry in ClinVar:

NM_015665.6(AAAS):c.58G>A (p.Glu20Lys)

Gene: AAAS (aladin WD repeat nucleoporin; minus strand). Cytogenetic location: 12q13.13.
Variant type: single nucleotide variant.
Coding change: c.58G>A on transcript NM_015665.6 (MANE Select); coding-DNA position 58, G replaced by A.
Protein change: p.Glu20Lys; replaces glutamic acid 20 with lysine.
Molecular consequence: missense variant.
Genome position (GRCh38, 1-based): chr12:53,321,408, C>T on the plus strand (G>A on the coding strand, the complement: AAAS is on the minus strand). VCF-style: chr12-53321408-C-T. GRCh37 (hg19) VCF-style: chr12-53715192-C-T.
Other names: c.58G>A, p.Glu20Lys (NM_001173466.2); short protein forms E20K.
Identifiers: ClinVar variation 1983058 (VCV001983058.4), dbSNP rs758642254, ClinGen allele CA385047456.

ClinVar aggregate classification (germline): Uncertain significance (1 of 4 stars; one submission).

Allele frequency attached by ClinVar (database versions not stated): gnomAD 0.00001; TOPMed 0.00001.
gnomAD v4.1: 18 of 1,614,002 alleles (0.0011%); highest among the groups gnomAD compares: Non-Finnish European, 0.0015%; no homozygotes.

Submission:

Labcorp Genetics (formerly Invitae), Labcorp
Classification: Uncertain significance. Last evaluated: 2025-07-14. Review status: criteria provided, single submitter. Criteria: Invitae Variant Classification Sherloc (09022015). Collection method: clinical testing. Allele origin: germline.
Comment: This sequence change replaces glutamic acid, which is acidic and polar, with lysine, which is basic and polar, at codon 20 of the AAAS protein (p.Glu20Lys). This variant is not present in population databases (gnomAD no frequency). This variant has not been reported in the literature in individuals affected with AAAS-related conditions. ClinVar contains an entry for this variant (Variation ID: 1983058). Invitae Evidence Modeling of protein sequence and biophysical properties (such as structural, functional, and spatial information, amino acid conservation, physicochemical variation, residue mobility, and thermodynamic stability) indicates that this missense variant is expected to disrupt AAAS protein function with a positive predictive value of 80%. In summary, the available evidence is currently insufficient to determine the role of this variant in disease. Therefore, it has been classified as a Variant of Uncertain Significance.